The following is an entry in ClinVar:

ClinVar aggregate classification (germline): Conflicting classifications of pathogenicity. Review status: criteria provided, conflicting classifications (1 of 4 stars). 5 submissions from 5 submitters: Uncertain significance (3); Likely benign (2). Last evaluated 2026-02-09.

Conditions:
HADHB-related disorder. Also called: HADHB-related condition.
Mitochondrial trifunctional protein deficiency. Identifiers: Orphanet 746, MedGen C1969443, MONDO:0012172.

Allele frequency attached by ClinVar (database versions not stated): ExAC 0.00001; gnomAD 0.00001 and 0.00002; gnomAD exomes 0.00001 and 0.00003; TOPMed 0.00002; ESP Exome Variant Server 0.00008.

Submissions (5):

PreventionGenetics, part of Exact Sciences
Classification: Likely benign for HADHB-related condition. Last evaluated: 2026-02-09. Review status: criteria provided, single submitter. Criteria: ACMG Guidelines, 2015. Collection method: clinical testing. Allele origin: germline.
Comment: This variant is classified as likely benign based on ACMG/AMP sequence variant interpretation guidelines (Richards et al. 2015 PMID: 25741868, with internal and published modifications).

Mayo Clinic Laboratories, Mayo Clinic
Classification: Likely benign. Last evaluated: 2025-10-02. Review status: criteria provided, single submitter. Criteria: ACMG Guidelines, 2015. Collection method: clinical testing. Allele origin: germline. Observed: 1 variant allele.
Comment: BP4, BP7

Labcorp Genetics (formerly Invitae), Labcorp
Classification: Uncertain significance for Mitochondrial trifunctional protein deficiency. Last evaluated: 2023-08-16. Review status: criteria provided, single submitter. Criteria: Invitae Variant Classification Sherloc (09022015). Collection method: clinical testing. Allele origin: germline.
Comment: In summary, the available evidence is currently insufficient to determine the role of this variant in disease. Therefore, it has been classified as a Variant of Uncertain Significance. Algorithms developed to predict the effect of sequence changes on RNA splicing suggest that this variant is not likely to affect RNA splicing. ClinVar contains an entry for this variant (Variation ID: 897804). This variant has not been reported in the literature in individuals affected with HADHB-related conditions. This variant is present in population databases (rs371257973, gnomAD 0.002%). This sequence change falls in intron 7 of the HADHB gene. It does not directly change the encoded amino acid sequence of the HADHB protein.

GeneDx
Classification: Uncertain significance. Last evaluated: 2019-10-14. Review status: criteria provided, single submitter. Criteria: GeneDx Variant Classification Process June 2021. Collection method: clinical testing. Allele origin: germline. Affected: yes.
Comment: Has not been previously published as pathogenic or benign to our knowledge; In-silico analysis, which includes splice predictors and evolutionary conservation, is inconclusive as to whether the variant alters gene splicing. In the absence of RNA/functional studies, the actual effect of this sequence change is unknown.; Not observed at a significant frequency in large population cohorts (Lek et al., 2016)

Illumina Laboratory Services, Illumina
Classification: Uncertain significance for Mitochondrial trifunctional protein deficiency 1. Last evaluated: 2018-01-13. Review status: criteria provided, single submitter. Criteria: ICSL Variant Classification Criteria 13 December 2019. Collection method: clinical testing. Allele origin: germline.

NM_000183.3(HADHB):c.443-10T>C

Gene: HADHB (hydroxyacyl-CoA dehydrogenase trifunctional multienzyme complex subunit beta; plus strand). Cytogenetic location: 2p23.3.
Variant type: single nucleotide variant.
Coding change: c.443-10T>C on transcript NM_000183.3 (MANE Select); 10 bases into the intron before coding-DNA position 443, T replaced by C.
Molecular consequence: intron variant.
Genome position (GRCh38, 1-based): chr2:26,278,604, T>C. VCF-style: chr2-26278604-T-C. GRCh37 (hg19) VCF-style: chr2-26501472-T-C.
Other names: p.?; c.377-10T>C (NM_001281513.2); c.398-10T>C (NM_001281512.2).
Identifiers: ClinVar variation 897804 (VCV000897804.12), dbSNP rs371257973, ClinGen allele CA1560236.